The following is an entry in ClinVar:

ClinVar aggregate classification (germline): Pathogenic (1 of 4 stars; one submission).

Conditions:
MHC class II deficiency. Also called: Bare lymphocyte syndrome 2; BLS, TYPE II. Identifiers: Orphanet 572, MedGen C5447452, MONDO:0008855.

Submission:

Labcorp Genetics (formerly Invitae), Labcorp
Classification: Pathogenic for MHC class II deficiency. Last evaluated: 2024-01-15. Review status: criteria provided, single submitter. Criteria: Invitae Variant Classification Sherloc (09022015). Collection method: clinical testing. Allele origin: germline.
Comment: This sequence change creates a premature translational stop signal (p.Tyr143*) in the RFXAP gene. It is expected to result in an absent or disrupted protein product. Loss-of-function variants in RFXAP are known to be pathogenic (PMID: 9118943, 22390233). This variant is not present in population databases (gnomAD no frequency). This variant has not been reported in the literature in individuals affected with RFXAP-related conditions. For these reasons, this variant has been classified as Pathogenic.

Literature cited by the submitters: PubMed 9118943; PubMed 22390233.

NM_000538.4(RFXAP):c.429C>G (p.Tyr143Ter)

Genes: RFXAP (regulatory factor X associated protein; plus strand), LOC130009574 (ATAC-STARR-seq lymphoblastoid active region 7589; plus strand). Cytogenetic location: 13q13.3.
Variant type: single nucleotide variant.
Coding change: c.429C>G on transcript NM_000538.4 (MANE Select); coding-DNA position 429, C replaced by G.
Protein change: p.Tyr143Ter; replaces tyrosine 143 with a stop codon.
Molecular consequence: nonsense.
Genome position (GRCh38, 1-based): chr13:36,819,786, C>G. VCF-style: chr13-36819786-C-G. GRCh37 (hg19) VCF-style: chr13-37393923-C-G.
Other names: short protein forms Y143*.
Identifiers: ClinVar variation 2709487 (VCV002709487.3), dbSNP rs2057955936, ClinGen allele CA387855343.